The following is an entry in ClinVar:

ClinVar aggregate classification (germline): Benign/Likely benign. Review status: criteria provided, multiple submitters, no conflicts (2 of 4 stars). 3 submissions from 3 submitters: Benign (1); Likely benign (2). Last evaluated 2026-01-08.

Conditions:
Autoimmune interstitial lung disease-arthritis syndrome. Also called: Autoinflammation and autoimmunity, systemic, with immune dysregulation. Identifiers: Orphanet 444092, MedGen C5975714, MONDO:0014629.

Allele frequency attached by ClinVar (database versions not stated): 1000 Genomes Project 0.00200; 1000 Genomes Project 30x 0.00219.
gnomAD v4.1: 418 of 1,607,582 alleles (0.026%); highest among the groups gnomAD compares: South Asian, 0.44%; 6 homozygotes.

Submissions (3):

Labcorp Genetics (formerly Invitae), Labcorp
Classification: Benign for Autoimmune interstitial lung disease-arthritis syndrome. Last evaluated: 2026-01-08. Review status: criteria provided, single submitter. Criteria: Invitae Variant Classification Sherloc (09022015). Collection method: clinical testing. Allele origin: germline.

Blueprint Genetics
Classification: Likely benign. Last evaluated: 2024-09-10. Review status: criteria provided, single submitter. Criteria: ACMG Guidelines, 2015. Collection method: clinical testing. Allele origin: germline.

CeGaT Center for Human Genetics Tuebingen
Classification: Likely benign. Last evaluated: 2022-11-01. Review status: criteria provided, single submitter. Criteria: CeGaT Center For Human Genetics Tuebingen Variant Classification Criteria Version 2. Collection method: clinical testing. Allele origin: germline. Affected: yes. Observed: 2 variant alleles.
Comment: COPA: BP4, BP7

NM_004371.4(COPA):c.399G>T (p.Gly133=)

Gene: COPA (coat protein complex I subunit alpha; minus strand). Cytogenetic location: 1q23.2.
Variant type: single nucleotide variant.
Coding change: c.399G>T on transcript NM_004371.4 (MANE Select); coding-DNA position 399, G replaced by T.
Protein change: p.Gly133=; no amino-acid change (glycine 133 retained).
Molecular consequence: synonymous variant.
Genome position (GRCh38, 1-based): chr1:160,332,545, C>A on the plus strand (G>T on the coding strand, the complement: COPA is on the minus strand). VCF-style: chr1-160332545-C-A. GRCh37 (hg19) VCF-style: chr1-160302335-C-A.
Other names: c.399G>T, p.Gly133= (NM_001098398.2).
Identifiers: ClinVar variation 1164424 (VCV001164424.33), dbSNP rs142221638, ClinGen allele CA1198369.